The following is an entry in ClinVar:

NM_006915.3(RP2):c.877A>G (p.Asn293Asp)

Gene: RP2 (RP2 activator of ARL3 GTPase; plus strand). Cytogenetic location: Xp11.3.
Variant type: single nucleotide variant.
Coding change: c.877A>G on transcript NM_006915.3 (MANE Select); coding-DNA position 877, A replaced by G.
Protein change: p.Asn293Asp; replaces asparagine 293 with aspartic acid.
Molecular consequence: missense variant.
Genome position (GRCh38, 1-based): chrX:46,860,096, A>G. VCF-style: chrX-46860096-A-G. GRCh37 (hg19) VCF-style: chrX-46719531-A-G.
Other names: short protein forms N293D.
Identifiers: ClinVar variation 1521417 (VCV001521417.8), dbSNP rs2147083274, ClinGen allele CA413040932.

ClinVar aggregate classification (germline): Uncertain significance (1 of 4 stars; one submission).

Submission:

Labcorp Genetics (formerly Invitae), Labcorp
Classification: Uncertain significance. Last evaluated: 2021-03-29. Review status: criteria provided, single submitter. Criteria: Invitae Variant Classification Sherloc (09022015). Collection method: clinical testing. Allele origin: germline.
Comment: In summary, the available evidence is currently insufficient to determine the role of this variant in disease. Therefore, it has been classified as a Variant of Uncertain Significance. Algorithms developed to predict the effect of missense changes on protein structure and function output the following: SIFT: "Tolerated"; PolyPhen-2: "Benign"; Align-GVGD: "Class C0". The aspartic acid amino acid residue is found in multiple mammalian species, suggesting that this missense change does not adversely affect protein function. These predictions have not been confirmed by published functional studies and their clinical significance is uncertain. This variant has not been reported in the literature in individuals with RP2-related conditions. This variant is not present in population databases (ExAC no frequency). This sequence change replaces asparagine with aspartic acid at codon 293 of the RP2 protein (p.Asn293Asp). The asparagine residue is moderately conserved and there is a small physicochemical difference between asparagine and aspartic acid.